The following is an entry in ClinVar:

ClinVar aggregate classification (germline): Likely pathogenic (1 of 4 stars; one submission).

Conditions:
X-linked agammaglobulinemia with growth hormone deficiency (IGHD3). Also called: FLEISHER SYNDROME; HYPOGAMMAGLOBULINEMIA AND ISOLATED GROWTH HORMONE DEFICIENCY, X-LINKED; IGHD III; ISOLATED GROWTH HORMONE DEFICIENCY, TYPE III, WITH AGAMMAGLOBULINEMIA; AGAMMAGLOBULINEMIA AND ISOLATED GROWTH HORMONE DEFICIENCY, X-LINKED; Isolated growth hormone deficiency type 3. Identifiers: Orphanet 231692, Orphanet 631, MedGen C0472813, MONDO:0010615, OMIM 307200.

Submission:

Labcorp Genetics (formerly Invitae), Labcorp
Classification: Likely pathogenic for X-linked agammaglobulinemia with growth hormone deficiency. Last evaluated: 2021-05-07. Review status: criteria provided, single submitter. Criteria: Invitae Variant Classification Sherloc (09022015). Collection method: clinical testing. Allele origin: germline.
Comment: This sequence change affects a donor splice site in intron 18 of the BTK gene. RNA analysis indicates that this variant induces altered splicing and likely results in the loss of 11 amino acid residue(s), but is expected to preserve the integrity of the reading-frame. In summary, the currently available evidence indicates that the variant is pathogenic, but additional data are needed to prove that conclusively. Therefore, this variant has been classified as Likely Pathogenic. This variant disrupts the p.Trp634 amino acid residue in BTK. Other variant(s) that disrupt this residue have been determined to be pathogenic (PMID: 12655572, 27512878, 25777788). This suggests that this residue is clinically significant, and that variants that disrupt this residue are likely to be disease-causing. Nucleotide substitutions within the consensus splice site are a relatively common cause of aberrant splicing (PMID: 17576681, 9536098). Studies have shown that this variant is associated with the activation of a cryptic splice site in exon 18 (PMID: 11027452). Disruption of this splice site has been observed in individual(s) with X-linked agammaglobulinemia (PMID: 11027452, 9260159, 1240516). This variant is also known as c.2040+1G>T in the literature. This variant is not present in population databases (ExAC no frequency).

Literature cited by the submitters: PubMed 12655572; PubMed 27512878; PubMed 25777788; PubMed 17576681; PubMed 9536098; PubMed 11027452; PubMed 9260159; PubMed 1240516.

NM_000061.3(BTK):c.1908+1G>T

Gene: BTK (Bruton tyrosine kinase; minus strand). Cytogenetic location: Xq22.1.
Variant type: single nucleotide variant.
Coding change: c.1908+1G>T on transcript NM_000061.3 (MANE Select); the canonical splice donor site of the intron after coding-DNA position 1908, G replaced by T.
Molecular consequence: splice donor variant.
Genome position (GRCh38, 1-based): chrX:101,353,193, C>A on the plus strand (G>T on the coding strand, the complement: BTK is on the minus strand). VCF-style: chrX-101353193-C-A. GRCh37 (hg19) VCF-style: chrX-100608181-C-A.
Other names: c.2010+1G>T (NM_001287344.2); c.1380+1G>T (NM_001287345.2).
Identifiers: ClinVar variation 1507198 (VCV001507198.8), dbSNP rs2147423955, ClinGen allele CA413918290.